The following is an entry in ClinVar:

NM_003839.4(TNFRSF11A):c.*2086G>A

Gene: TNFRSF11A (TNF receptor superfamily member 11a; plus strand). Cytogenetic location: 18q21.33.
Variant type: single nucleotide variant.
Coding change: c.*2086G>A on transcript NM_003839.4 (MANE Select); 2086 bases downstream of the stop codon, G replaced by A.
Molecular consequence: 3 prime UTR variant.
Genome position (GRCh38, 1-based): chr18:62,387,120, G>A. VCF-style: chr18-62387120-G-A. GRCh37 (hg19) VCF-style: chr18-60054353-G-A.
Other names: c.*2361G>A (NM_001270949.2); c.*2086G>A (NM_001270950.2, NM_001270951.2, NM_001278268.2).
Identifiers: ClinVar variation 889870 (VCV000889870.4), dbSNP rs528958493, ClinGen allele CA301716469.
Genomic context (GRCh38, chr18:62,387,120, plus strand): 5'-TTCCTTCTATAAAAAGGCAATAATGATAATTTATAATAGTTTCCCTACCCAGAGATATTA[G>A]AAGTATGCTACAGTGAATGTTAAAGTACCTTGAGATCCTTAAATCAAAGGTGCTATATAC-3'

ClinVar aggregate classification (germline): Likely benign. Review status: criteria provided, single submitter (1 of 4 stars). 2 submissions from 1 submitter: Likely benign (2). Last evaluated 2018-01-13.

Conditions:
Autosomal recessive osteopetrosis 7. Identifiers: Orphanet 178389, MedGen C2676766, MONDO:0012859, OMIM 612301.
Paget disease of bone 2, early-onset (PDB2). Also called: Paget disease of bone 2. Identifiers: MedGen C4085251, MONDO:0011183, OMIM 602080.

Allele frequency attached by ClinVar (database versions not stated): gnomAD 0.00001 and 0.00038; TOPMed 0.00006; 1000 Genomes Project 30x 0.00234; 1000 Genomes Project 0.00280.
gnomAD v4.1: 56 of 152,234 alleles (0.037%); highest among the groups gnomAD compares: South Asian, 1.1%; 1 homozygote.

Submissions (2):

Illumina Laboratory Services, Illumina
Classification: Likely benign for Autosomal recessive osteopetrosis 7. Last evaluated: 2018-01-13. Review status: criteria provided, single submitter. Criteria: ICSL Variant Classification Criteria 13 December 2019. Collection method: clinical testing. Allele origin: germline.
Comment: This variant was observed in the ICSL laboratory as part of a predisposition screen in an ostensibly healthy population. It had not been previously curated by ICSL or reported in the Human Gene Mutation Database (HGMD: prior to June 1st, 2018), and was therefore a candidate for classification through an automated scoring system. Utilizing variant allele frequency, disease prevalence and penetrance estimates, and inheritance mode, an automated score was calculated to assess if this variant is too frequent to cause the disease. Based on the score and internal cut-off values, a variant classified as likely benign is not then subjected to further curation. The score for this variant resulted in a classification of likely benign for this disease.

Illumina Laboratory Services, Illumina
Classification: Likely benign for Paget disease of bone 2, early-onset. Last evaluated: 2018-01-13. Review status: criteria provided, single submitter. Criteria: ICSL Variant Classification Criteria 13 December 2019. Collection method: clinical testing. Allele origin: germline.
Comment: the same text as in the submission from Illumina Laboratory Services, Illumina above.